The following is an entry in ClinVar:

NM_004972.4(JAK2):c.579C>T (p.Asn193=)

Genes: INSL6 (insulin like 6; minus strand), JAK2 (Janus kinase 2; plus strand). Cytogenetic location: 9p24.1.
Variant type: single nucleotide variant.
Coding change: c.579C>T on transcript NM_004972.4 (MANE Select); coding-DNA position 579, C replaced by T.
Protein change: p.Asn193=; no amino-acid change (asparagine 193 retained).
Molecular consequence: synonymous variant. On other transcripts: 5 prime UTR variant (2), non-coding transcript variant (2).
Genome position (GRCh38, 1-based): chr9:5,050,796, C>T. VCF-style: chr9-5050796-C-T. GRCh37 (hg19) VCF-style: chr9-5050796-C-T.
Other names: c.579C>T, p.Asn193= (NM_001322194.2, NM_001322195.2, NM_001322196.2); c.-542C>T (NM_001322198.2, NM_001322199.2); c.132C>T, p.Asn44= (NM_001322204.2).
Identifiers: ClinVar variation 721421 (VCV000721421.18), dbSNP rs41302214, ClinGen allele CA4971620.

ClinVar aggregate classification (germline): Benign/Likely benign. Review status: criteria provided, multiple submitters, no conflicts (2 of 4 stars). 4 submissions from 4 submitters: Benign (1); Likely benign (2). 1 of the submissions does not count toward it. Last evaluated 2026-01-29.

Conditions:
JAK2-related disorder. Also called: JAK2-related condition.

Allele frequency attached by ClinVar (database versions not stated): TOPMed 0.00025; gnomAD 0.00027 and 0.00040; ESP Exome Variant Server 0.00046; gnomAD exomes 0.00049 and 0.00054; ExAC 0.00053; 1000 Genomes Project 0.00060; 1000 Genomes Project 30x 0.00078.
gnomAD v4.1: 835 of 1,613,492 alleles (0.052%); highest among the groups gnomAD compares: South Asian, 0.29%; 4 homozygotes.

Submissions (4):

Labcorp Genetics (formerly Invitae), Labcorp
Classification: Benign. Last evaluated: 2026-01-29. Review status: criteria provided, single submitter. Criteria: Invitae Variant Classification Sherloc (09022015). Collection method: clinical testing. Allele origin: germline.

CeGaT Center for Human Genetics Tuebingen
Classification: Likely benign. Last evaluated: 2025-03-01. Review status: criteria provided, single submitter. Criteria: CeGaT Center For Human Genetics Tuebingen Variant Classification Criteria Version 2. Collection method: clinical testing. Allele origin: germline. Affected: yes. Observed: 1 variant allele.
Comment: JAK2: BP4, BP7

Blueprint Genetics
Classification: Likely benign. Last evaluated: 2024-11-27. Review status: criteria provided, single submitter. Criteria: ACMG Guidelines, 2015. Collection method: clinical testing. Allele origin: germline.

PreventionGenetics, part of Exact Sciences
Classification: Likely benign for JAK2-related condition. Last evaluated: 2019-02-21. Review status: no assertion criteria provided. Collection method: clinical testing. Allele origin: germline. Not counted in ClinVar's aggregate classification.
Comment: This variant is classified as likely benign based on ACMG/AMP sequence variant interpretation guidelines (Richards et al. 2015 PMID: 25741868, with internal and published modifications).